The following is an entry in ClinVar:

ClinVar aggregate classification (germline): Benign/Likely benign. Review status: criteria provided, multiple submitters, no conflicts (2 of 4 stars). 3 submissions from 3 submitters: Benign (1); Likely benign (1). 1 of the submissions does not count toward it. Last evaluated 2025-12-29.

Conditions:
KMT2D-related disorder. Also called: KMT2D-Related Disorders.
Kabuki syndrome. Also called: Kabuki make-up syndrome; NIIKAWA-KUROKI SYNDROME. Identifiers: Orphanet 2322, MedGen C0796004, MONDO:0016512.

Allele frequency attached by ClinVar (database versions not stated): TOPMed below 0.00001; gnomAD exomes 0.00001.
gnomAD v4.1: 31 of 1,551,438 alleles (0.002%); highest among the groups gnomAD compares: Middle Eastern, 0.017%; no homozygotes.

Submissions (3):

Labcorp Genetics (formerly Invitae), Labcorp
Classification: Benign for Kabuki syndrome. Last evaluated: 2025-12-29. Review status: criteria provided, single submitter. Criteria: Invitae Variant Classification Sherloc (09022015). Collection method: clinical testing. Allele origin: germline.

CeGaT Center for Human Genetics Tuebingen
Classification: Likely benign. Last evaluated: 2025-08-01. Review status: criteria provided, single submitter. Criteria: CeGaT Center For Human Genetics Tuebingen Variant Classification Criteria Version 2. Collection method: clinical testing. Allele origin: germline. Affected: yes. Observed: 1 variant allele.
Comment: KMT2D: BP4, BS2

PreventionGenetics, part of Exact Sciences
Classification: Uncertain significance for KMT2D-related condition. Last evaluated: 2023-12-22. Review status: no assertion criteria provided. Collection method: clinical testing. Allele origin: germline. Not counted in ClinVar's aggregate classification.
Comment: The KMT2D c.11570A>T variant is predicted to result in the amino acid substitution p.Gln3857Leu. To our knowledge, this variant has not been reported in the literature. This variant is reported in 0.0033% of alleles in individuals of European (Non-Finnish) descent in gnomAD. At this time, the clinical significance of this variant is uncertain due to the absence of conclusive functional and genetic evidence.

NM_003482.4(KMT2D):c.11570A>T (p.Gln3857Leu)

Gene: KMT2D (lysine methyltransferase 2D; minus strand). Cytogenetic location: 12q13.12.
Variant type: single nucleotide variant.
Coding change: c.11570A>T on transcript NM_003482.4 (MANE Select); coding-DNA position 11570, A replaced by T.
Protein change: p.Gln3857Leu; replaces glutamine 3857 with leucine.
Molecular consequence: missense variant.
Genome position (GRCh38, 1-based): chr12:49,033,135, T>A on the plus strand (A>T on the coding strand, the complement: KMT2D is on the minus strand). VCF-style: chr12-49033135-T-A. GRCh37 (hg19) VCF-style: chr12-49426918-T-A.
Other names: c.11570A>T (NM_003482.3); short protein forms Q3857L.
Identifiers: ClinVar variation 1434922 (VCV001434922.17), dbSNP rs1467814815, ClinGen allele CA384717592.